The following is an entry in ClinVar:

NM_014225.6(PPP2R1A):c.662G>A (p.Arg221Gln)

Gene: PPP2R1A (protein phosphatase 2 scaffold subunit Aalpha; plus strand). Cytogenetic location: 19q13.41.
Variant type: single nucleotide variant.
Coding change: c.662G>A on transcript NM_014225.6 (MANE Select); coding-DNA position 662, G replaced by A.
Protein change: p.Arg221Gln; replaces arginine 221 with glutamine.
Molecular consequence: missense variant. On other transcripts: non-coding transcript variant (1).
Genome position (GRCh38, 1-based): chr19:52,212,965, G>A. VCF-style: chr19-52212965-G-A. GRCh37 (hg19) VCF-style: chr19-52716218-G-A.
Other names: c.125G>A, p.Arg42Gln (NM_001363656.2); short protein forms R221Q, R42Q.
Identifiers: ClinVar variation 1309322 (VCV001309322.2), dbSNP rs1405455410, ClinGen allele CA407184301.

ClinVar aggregate classification (germline): Uncertain significance (1 of 4 stars; one submission).

Allele frequency attached by ClinVar (database versions not stated): gnomAD exomes below 0.00001 and 0.00001.
gnomAD v4.1: 3 of 1,598,940 alleles (0.00019%); highest among the groups gnomAD compares: East Asian, 0.0022%; no homozygotes.

Submission:

GeneDx
Classification: Uncertain significance. Last evaluated: 2019-10-16. Review status: criteria provided, single submitter. Criteria: GeneDx Variant Classification Process June 2021. Collection method: clinical testing. Allele origin: germline. Affected: yes.
Comment: In silico analysis, which includes protein predictors and evolutionary conservation, supports a deleterious effect; Has not been previously published as pathogenic or benign to our knowledge